The following is an entry in ClinVar:

NM_001387777.1(TNS1):c.2950C>T (p.Arg984Trp)

Gene: TNS1 (tensin 1; minus strand). Cytogenetic location: 2q35.
Variant type: single nucleotide variant.
Coding change: c.2950C>T on transcript NM_001387777.1 (MANE Select); coding-DNA position 2950, C replaced by T.
Protein change: p.Arg984Trp; replaces arginine 984 with tryptophan.
Molecular consequence: missense variant.
Genome position (GRCh38, 1-based): chr2:217,847,567, G>A on the plus strand (C>T on the coding strand, the complement: TNS1 is on the minus strand). VCF-style: chr2-217847567-G-A. GRCh37 (hg19) VCF-style: chr2-218712290-G-A.
Other names: c.2575C>T, p.Arg859Trp (NM_001308022.2, NM_001308023.2, NM_022648.7); c.2575C>T (NM_022648.5); short protein forms R859W, R984W.
Identifiers: ClinVar variation 1267955 (VCV001267955.5), dbSNP rs61746994, ClinGen allele CA2100116.

ClinVar aggregate classification (germline): Benign. Review status: criteria provided, multiple submitters, no conflicts (2 of 4 stars). 3 submissions from 3 submitters: Benign (2). 1 of the submissions does not count toward it. Last evaluated 2018-07-13.

Conditions:
TNS1-related disorder. Also called: TNS1-related condition.

Allele frequency attached by ClinVar (database versions not stated): ExAC 0.02025; ESP Exome Variant Server 0.04006; TOPMed 0.04120; 1000 Genomes Project 0.04573; 1000 Genomes Project 30x 0.04809.
gnomAD v4.1: 20,426 of 1,496,544 alleles (1.4%); highest among the groups gnomAD compares: African/African-American, 11%; 563 homozygotes.

Submissions (3):

GeneDx
Classification: Benign. Last evaluated: 2018-07-13. Review status: criteria provided, single submitter. Criteria: GeneDx Variant Classification Process June 2021. Collection method: clinical testing. Allele origin: germline. Affected: yes.
Comment: This variant is associated with the following publications: (PMID: 29531218)

Breakthrough Genomics
Classification: Benign. Review status: criteria provided, single submitter. Criteria: ACMG Guidelines, 2015. Collection method: not provided. Allele origin: germline. Inheritance: Unknown mechanism. Affected: yes.

PreventionGenetics, part of Exact Sciences
Classification: Benign for TNS1-related condition. Last evaluated: 2019-02-27. Review status: no assertion criteria provided. Collection method: clinical testing. Allele origin: germline. Not counted in ClinVar's aggregate classification.
Comment: This variant is classified as benign based on ACMG/AMP sequence variant interpretation guidelines (Richards et al. 2015 PMID: 25741868, with internal and published modifications).